The following is an entry in ClinVar:

ClinVar aggregate classification (germline): Benign/Likely benign. Review status: criteria provided, multiple submitters, no conflicts (2 of 4 stars). 5 submissions from 5 submitters: Benign (4); Likely benign (1). Last evaluated 2026-02-04.

Conditions:
Brody myopathy. Also called: BRODY DISEASE. Identifiers: Orphanet 53347, MedGen C1832918, MONDO:0010977, OMIM 601003.

Allele frequency attached by ClinVar (database versions not stated): gnomAD exomes 0.00047; gnomAD 0.00476 and 0.00505; ESP Exome Variant Server 0.00493; 1000 Genomes Project 30x 0.00515; TOPMed 0.00540; 1000 Genomes Project 0.00559.

Submissions (5):

Labcorp Genetics (formerly Invitae), Labcorp
Classification: Benign for Brody myopathy. Last evaluated: 2026-02-04. Review status: criteria provided, single submitter. Criteria: Invitae Variant Classification Sherloc (09022015). Collection method: clinical testing. Allele origin: germline.

Blueprint Genetics
Classification: Likely benign. Last evaluated: 2024-10-22. Review status: criteria provided, single submitter. Criteria: ACMG Guidelines, 2015. Collection method: clinical testing. Allele origin: germline.

GeneDx
Classification: Benign. Last evaluated: 2018-06-06. Review status: criteria provided, single submitter. Criteria: GeneDx Variant Classification Process June 2021. Collection method: clinical testing. Allele origin: germline. Affected: yes.

Illumina Laboratory Services, Illumina
Classification: Benign for Brody myopathy. Last evaluated: 2018-01-13. Review status: criteria provided, single submitter. Criteria: ICSL Variant Classification Criteria 13 December 2019. Collection method: clinical testing. Allele origin: germline.
Comment: This variant was observed in the ICSL laboratory as part of a predisposition screen in an ostensibly healthy population. It had not been previously curated by ICSL or reported in the Human Gene Mutation Database (HGMD: prior to June 1st, 2018), and was therefore a candidate for classification through an automated scoring system. Utilizing variant allele frequency, disease prevalence and penetrance estimates, and inheritance mode, an automated score was calculated to assess if this variant is too frequent to cause the disease. Based on the score and internal cut-off values, a variant classified as benign is not then subjected to further curation. The score for this variant resulted in a classification of benign for this disease.

Breakthrough Genomics
Classification: Benign. Review status: criteria provided, single submitter. Criteria: ACMG Guidelines, 2015. Collection method: not provided. Allele origin: germline. Inheritance: Autosomal recessive inheritance. Affected: yes.

NM_004320.6(ATP2A1):c.1948G>A (p.Asp650Asn)

Gene: ATP2A1 (ATPase sarcoplasmic/endoplasmic reticulum Ca2+ transporting 1; plus strand). Cytogenetic location: 16p11.2.
Variant type: single nucleotide variant.
Coding change: c.1948G>A on transcript NM_004320.6 (MANE Select); coding-DNA position 1948, G replaced by A.
Protein change: p.Asp650Asn; replaces aspartic acid 650 with asparagine.
Molecular consequence: missense variant.
Genome position (GRCh38, 1-based): chr16:28,900,764, G>A. VCF-style: chr16-28900764-G-A. GRCh37 (hg19) VCF-style: chr16-28912085-G-A.
Other names: c.1573G>A, p.Asp525Asn (NM_001286075.2); c.1948G>A, p.Asp650Asn (NM_173201.5); short protein forms D650N, D525N.
Identifiers: ClinVar variation 387411 (VCV000387411.20), dbSNP rs74573581, ClinGen allele CA7987123.
Genomic context (GRCh38, chr16:28,900,764, plus strand): 5'-GGCACAGCCATTGCCATCTGCCGGCGAATTGGCATCTTTGGGGAGAACGAGGAGGTGGCC[G>A]ATCGCGCCTACACGGGCCGAGAGTTCGACGACCTGCCCCTGGCTGAACAGCGGGAAGCCT-3'
Protein context (NP_004311.1, residues 640-660): GIFGENEEVA[Asp650Asn]RAYTGREFDD